The following is an entry in ClinVar:

ClinVar aggregate classification (germline): Uncertain significance (1 of 4 stars; one submission).

Conditions:
Generalized epilepsy with febrile seizures plus, type 10. Also called: GEFS+, TYPE 10. Identifiers: MedGen C5193120, MONDO:0032777, OMIM 618482.

Submission:

New York Genome Center
Classification: Uncertain significance for Generalized epilepsy with febrile seizures plus, type 10. Last evaluated: 2020-07-03. Review status: criteria provided, single submitter. Criteria: NYGC Assertion Criteria 2020. Collection method: clinical testing. Allele origin: inherited. Observed: 1 variant allele. Study: CSER-NYCKidSeq.
Comment: The distal breakpoint of this duplication is detected at Chr5:45270314, however due to the highly repetitive nature of centromeric regions, the proximal breakpoint cannot be determined by Whole Genome Sequencing, however microarray analysis suggests this duplication extends to the centromere of chromosome 5. The only gene contained in this region is HCN1, and the distal breakpoint confirms that exons 1-6 (NM_021072.4) of the HCN1 gene are contained within this duplication. This variant is absent from gnomAD(SV_v2.1) suggesting it is not a common benign variant in the populations represented in that database. This variant is absent from ClinVar, although a duplication containing exons 1-7 has been reported in ClinVar as a Variant of UncertainSignificance (VarID:646963). To our current knowledge neither this exact variant, nor similar intergenic duplications of HCN1, have been reported in affected individuals in the literature. Given the lack of compelling evidence for its pathogenicity and uncertainty regarding its functional consequence, the inherited 5p12 duplication containing exons 1-6 of the HCN1 gene is reported as a Variant of Uncertain Significance.

Single allele

Genes: HCN1 (hyperpolarization activated cyclic nucleotide gated potassium channel 1; minus strand), LOC126807381 (MED14-independent group 3 enhancer GRCh37_chr5:45385335-45386534; plus strand), LOC126807382 (P300/CBP strongly-dependent group 1 enhancer GRCh37_chr5:45722136-45723335; plus strand). Cytogenetic location: 5p12-11.
Variant type: Duplication.
Identifiers: ClinVar variation 1184324 (VCV001184324.1).